The following is an entry in ClinVar:

ClinVar aggregate classification (germline): Uncertain significance (1 of 4 stars; one submission).

Conditions:
Early-infantile DEE. Also called: Ohtahara syndrome; Early infantile epileptic encephalopathy with suppression bursts; Early infantile epileptic encephalopathy. Identifiers: Orphanet 1934, MedGen C0393706, MONDO:0800491.

Allele frequency attached by ClinVar (database versions not stated): ExAC 0.00001; gnomAD exomes 0.00001.
gnomAD v4.1: 7 of 1,614,072 alleles (0.00043%); highest among the groups gnomAD compares: Admixed American, 0.0017%; no homozygotes.

Submission:

Labcorp Genetics (formerly Invitae), Labcorp
Classification: Uncertain significance for Early-infantile DEE. Last evaluated: 2025-05-11. Review status: criteria provided, single submitter. Criteria: Invitae Variant Classification Sherloc (09022015). Collection method: clinical testing. Allele origin: germline.
Comment: This sequence change replaces alanine, which is neutral and non-polar, with valine, which is neutral and non-polar, at codon 350 of the SPTAN1 protein (p.Ala350Val). This variant is present in population databases (rs765337732, gnomAD 0.003%). This variant has not been reported in the literature in individuals affected with SPTAN1-related conditions. ClinVar contains an entry for this variant (Variation ID: 1480531). Invitae Evidence Modeling of protein sequence and biophysical properties (such as structural, functional, and spatial information, amino acid conservation, physicochemical variation, residue mobility, and thermodynamic stability) has been performed for this missense variant. However, the output from this modeling did not meet the statistical confidence thresholds required to predict the impact of this variant on SPTAN1 protein function. In summary, the available evidence is currently insufficient to determine the role of this variant in disease. Therefore, it has been classified as a Variant of Uncertain Significance.

NM_001130438.3(SPTAN1):c.1049C>T (p.Ala350Val)

Gene: SPTAN1 (spectrin alpha, non-erythrocytic 1; plus strand). Cytogenetic location: 9q34.11.
Variant type: single nucleotide variant.
Coding change: c.1049C>T on transcript NM_001130438.3 (MANE Select); coding-DNA position 1049, C replaced by T.
Protein change: p.Ala350Val; replaces alanine 350 with valine.
Molecular consequence: missense variant.
Genome position (GRCh38, 1-based): chr9:128,577,470, C>T. VCF-style: chr9-128577470-C-T. GRCh37 (hg19) VCF-style: chr9-131339749-C-T.
Other names: c.1049C>T, p.Ala350Val (NM_001195532.2, NM_001363759.2, NM_001363765.2 and 5 more transcripts); c.1085C>T, p.Ala362Val (NM_001375312.2, NM_001375318.1); short protein forms A362V, A350V.
Identifiers: ClinVar variation 1480531 (VCV001480531.9), dbSNP rs765337732, ClinGen allele CA5264289.
Genomic context (GRCh38, chr9:128,577,470, plus strand): 5'-CACAGATTCAAGTGAAGCGAGAGGAACTGATTACAAACTGGGAGCAGATCCGCACCTTGG[C>T]GGCAGAGAGACATGCACGGCTCAATGATTCATACAGGTGCAAATAATGCTCCAGGTCTTA-3'
Protein context (NP_001123910.1, residues 340-360): ITNWEQIRTL[Ala350Val]AERHARLNDS